The following is an entry in ClinVar:

ClinVar aggregate classification (germline): Uncertain significance (1 of 4 stars; one submission).

Submission:

Labcorp Genetics (formerly Invitae), Labcorp
Classification: Uncertain significance. Last evaluated: 2024-02-23. Review status: criteria provided, single submitter. Criteria: Invitae Variant Classification Sherloc (09022015). Collection method: clinical testing. Allele origin: germline.
Comment: This sequence change replaces isoleucine, which is neutral and non-polar, with threonine, which is neutral and polar, at codon 1874 of the CACNA1E protein (p.Ile1874Thr). This variant is not present in population databases (gnomAD no frequency). This variant has not been reported in the literature in individuals affected with CACNA1E-related conditions. ClinVar contains an entry for this variant (Variation ID: 1498845). Advanced modeling of protein sequence and biophysical properties (such as structural, functional, and spatial information, amino acid conservation, physicochemical variation, residue mobility, and thermodynamic stability) performed at Invitae indicates that this missense variant is not expected to disrupt CACNA1E protein function with a negative predictive value of 95%. In summary, the available evidence is currently insufficient to determine the role of this variant in disease. Therefore, it has been classified as a Variant of Uncertain Significance.

NM_001205293.3(CACNA1E):c.5621T>C (p.Ile1874Thr)

Gene: CACNA1E (calcium voltage-gated channel subunit alpha1 E; plus strand). Cytogenetic location: 1q25.3.
Variant type: single nucleotide variant.
Coding change: c.5621T>C on transcript NM_001205293.3 (MANE Select); coding-DNA position 5621, T replaced by C.
Protein change: p.Ile1874Thr; replaces isoleucine 1874 with threonine.
Molecular consequence: missense variant.
Genome position (GRCh38, 1-based): chr1:181,785,360, T>C. VCF-style: chr1-181785360-T-C. GRCh37 (hg19) VCF-style: chr1-181754496-T-C.
Other names: c.5621T>C, p.Ile1874Thr (NM_000721.4); c.5564T>C, p.Ile1855Thr (NM_001205294.2); short protein forms I1855T, I1874T.
Identifiers: ClinVar variation 1498845 (VCV001498845.8), dbSNP rs2102845112, ClinGen allele CA343631453.